The following is an entry in ClinVar:

ClinVar aggregate classification (germline): Conflicting classifications of pathogenicity. Review status: criteria provided, conflicting classifications (1 of 4 stars). 3 submissions from 3 submitters: Likely pathogenic (1); Uncertain significance (1). 1 of the submissions does not count toward it. Last evaluated 2024-12-19.

Conditions:
GUCY2D-related disorders.
Cone-rod dystrophy 6 (CORD6). Also called: RETINAL CONE DYSTROPHY 2; Cone dystrophy progressive. Identifiers: Orphanet 1872, MedGen C1866293, MONDO:0011143, OMIM 601777.
Leber congenital amaurosis 1 (LCA1). Also called: RETINAL BLINDNESS, CONGENITAL; Congenital absence of the rods and cones; Leber's congenital tapetoretinal degeneration; Leber's congenital tapetoretinal dysplasia; AMAUROSIS CONGENITA OF LEBER I. Identifiers: Orphanet 65, MedGen C2931258, MONDO:0008764, OMIM 204000.

Allele frequency attached by ClinVar (database versions not stated): gnomAD 0.00001.

Submissions (3):

Labcorp Genetics (formerly Invitae), Labcorp
Classification: Uncertain significance for Leber congenital amaurosis 1; Cone-rod dystrophy 6. Last evaluated: 2024-12-19. Review status: criteria provided, single submitter. Criteria: Invitae Variant Classification Sherloc (09022015). Collection method: clinical testing. Allele origin: germline.
Comment: This sequence change replaces threonine, which is neutral and polar, with methionine, which is neutral and non-polar, at codon 839 of the GUCY2D protein (p.Thr839Met). The frequency data for this variant in the population databases is considered unreliable, as metrics indicate poor data quality at this position in the gnomAD database. This missense change has been observed in individual(s) with clinical features of GUCY2D-related conditions (PMID: 35567543, 37327959; internal data). ClinVar contains an entry for this variant (Variation ID: 98569). Invitae Evidence Modeling of protein sequence and biophysical properties (such as structural, functional, and spatial information, amino acid conservation, physicochemical variation, residue mobility, and thermodynamic stability) indicates that this missense variant is expected to disrupt GUCY2D protein function with a positive predictive value of 80%. In summary, the available evidence is currently insufficient to determine the role of this variant in disease. Therefore, it has been classified as a Variant of Uncertain Significance.

Blueprint Genetics
Classification: Likely pathogenic for GUCY2D-related disorders. Last evaluated: 2021-09-14. Review status: criteria provided, single submitter. Criteria: ACMG Guidelines, 2015. Collection method: clinical testing. Allele origin: germline. Affected: yes. Observed: 2 variant alleles.

Retina International
No classification provided. Review status: no classification provided. Collection method: not provided. Allele origin: unknown. Not counted in ClinVar's aggregate classification.

Literature cited by the submitters: PubMed 35567543 (cited by Labcorp Genetics (formerly Invitae), Labcorp); PubMed 37327959 (cited by Labcorp Genetics (formerly Invitae), Labcorp).

NM_000180.4(GUCY2D):c.2516C>T (p.Thr839Met)

Gene: GUCY2D (guanylate cyclase 2D, retinal; plus strand). Cytogenetic location: 17p13.1.
Variant type: single nucleotide variant.
Coding change: c.2516C>T on transcript NM_000180.4 (MANE Select); coding-DNA position 2516, C replaced by T.
Protein change: p.Thr839Met; replaces threonine 839 with methionine.
Molecular consequence: missense variant.
Genome position (GRCh38, 1-based): chr17:8,014,704, C>T. VCF-style: chr17-8014704-C-T. GRCh37 (hg19) VCF-style: chr17-7918022-C-T.
Other names: short protein forms T839M.
Identifiers: ClinVar variation 98569 (VCV000098569.11), dbSNP rs61750174, ClinGen allele CA226087.